The following is an entry in ClinVar:

NM_001035.3(RYR2):c.9768C>T (p.Asn3256=)

Gene: RYR2 (ryanodine receptor 2; plus strand). Cytogenetic location: 1q43.
Variant type: single nucleotide variant.
Coding change: c.9768C>T on transcript NM_001035.3 (MANE Select); coding-DNA position 9768, C replaced by T.
Protein change: p.Asn3256=; no amino-acid change (asparagine 3256 retained).
Molecular consequence: synonymous variant.
Genome position (GRCh38, 1-based): chr1:237,707,136, C>T. VCF-style: chr1-237707136-C-T. GRCh37 (hg19) VCF-style: chr1-237870436-C-T.
Other names: c.9768C>T (NM_001035.2).
Identifiers: ClinVar variation 1149872 (VCV001149872.14), dbSNP rs574525966, ClinGen allele CA087954.

ClinVar aggregate classification (germline): Likely benign. Review status: criteria provided, multiple submitters, no conflicts (2 of 4 stars). 4 submissions from 4 submitters: Likely benign (4). Last evaluated 2026-01-27.

Conditions:
Cardiovascular phenotype. Identifiers: MedGen CN230736.
Cardiomyopathy (CMYO). Also called: Cardiomyopathies. Identifiers: Orphanet 167848, MedGen C0878544, MONDO:0004994, HP:0001638. Inheritance: Various modes of inheritance.
Catecholaminergic polymorphic ventricular tachycardia (CVPT). Also called: Catecholamine-induced polymorphic ventricular tachycardia. Identifiers: Orphanet 3286, MedGen C5574922, MONDO:0017990.
Catecholaminergic polymorphic ventricular tachycardia 1. Also called: VENTRICULAR TACHYCARDIA, CATECHOLAMINERGIC POLYMORPHIC, 1, WITH OR WITHOUT ATRIAL DYSFUNCTION AND/OR DILATED CARDIOMYOPATHY; VENTRICULAR TACHYCARDIA, STRESS-INDUCED POLYMORPHIC 1; RYR2-Related Catecholaminergic Polymorphic Ventricular Tachycardia. Identifiers: Orphanet 3286, MedGen C1631597, MONDO:0011484, OMIM 604772.

Allele frequency attached by ClinVar (database versions not stated): ExAC 0.00001; gnomAD 0.00001; gnomAD exomes 0.00001; TOPMed 0.00001.
gnomAD v4.1: 10 of 1,613,732 alleles (0.00062%); highest among the groups gnomAD compares: Non-Finnish European, 0.00085%; no homozygotes.

Submissions (4):

Labcorp Genetics (formerly Invitae), Labcorp
Classification: Likely benign for Catecholaminergic polymorphic ventricular tachycardia 1. Last evaluated: 2026-01-27. Review status: criteria provided, single submitter. Criteria: Invitae Variant Classification Sherloc (09022015). Collection method: clinical testing. Allele origin: germline.

Ambry Genetics
Classification: Likely benign for Cardiovascular phenotype. Last evaluated: 2025-07-28. Review status: criteria provided, single submitter. Criteria: Ambry Variant Classification Scheme 2023. Collection method: clinical testing. Allele origin: germline.

All of Us Research Program, National Institutes of Health
Classification: Likely benign for Catecholaminergic polymorphic ventricular tachycardia. Last evaluated: 2023-03-04. Review status: criteria provided, single submitter. Criteria: ACMG Guidelines, 2015. Collection method: clinical testing. Allele origin: germline. Inheritance: Autosomal dominant inheritance. Observed: 1 variant allele, 1 heterozygote.
Comment: This study involves interpretation of variants in research participants for the purpose of population health screening. Participant phenotype was not available at the time of variant classification. Additional details can be found in publication PMID: 35346344, PMCID: PMC8962531

Color Diagnostics, LLC DBA Color Health
Classification: Likely benign for Cardiomyopathy. Last evaluated: 2020-08-24. Review status: criteria provided, single submitter. Criteria: ACMG Guidelines, 2015. Collection method: clinical testing. Allele origin: germline.